The following is an entry in ClinVar:

NM_014494.4(TNRC6A):c.2464T>C (p.Cys822Arg)

Gene: TNRC6A (trinucleotide repeat containing adaptor 6A; plus strand). Cytogenetic location: 16p12.1.
Variant type: single nucleotide variant.
Coding change: c.2464T>C on transcript NM_014494.4 (MANE Select); coding-DNA position 2464, T replaced by C.
Protein change: p.Cys822Arg; replaces cysteine 822 with arginine.
Molecular consequence: missense variant.
Genome position (GRCh38, 1-based): chr16:24,791,106, T>C. VCF-style: chr16-24791106-T-C. GRCh37 (hg19) VCF-style: chr16-24802427-T-C.
Other names: c.2464T>C, p.Cys822Arg (NM_001330520.3, NM_020847.1); c.2491T>C, p.Cys831Arg (NM_001351850.2); c.2464T>C (NM_014494.2); short protein forms C822R, C831R.
Identifiers: ClinVar variation 2646335 (VCV002646335.24), dbSNP rs143822830, ClinGen allele CA7968749.

ClinVar aggregate classification (germline): Conflicting classifications of pathogenicity. Review status: criteria provided, conflicting classifications (1 of 4 stars). 2 submissions from 2 submitters: Uncertain significance (1); Likely benign (1). Last evaluated 2025-12-08.

Allele frequency attached by ClinVar (database versions not stated): gnomAD 0.00001; TOPMed 0.00002; ExAC 0.00003; gnomAD exomes 0.00003; ESP Exome Variant Server 0.00008.
gnomAD v4.1: 48 of 1,613,416 alleles (0.003%); highest among the groups gnomAD compares: Middle Eastern, 0.016%; no homozygotes.

Submissions (2):

Ambry Genetics
Classification: Uncertain significance. Last evaluated: 2025-12-08. Review status: criteria provided, single submitter. Criteria: Ambry Variant Classification Scheme 2023. Collection method: clinical testing. Allele origin: germline.

CeGaT Center for Human Genetics Tuebingen
Classification: Likely benign. Last evaluated: 2023-08-01. Review status: criteria provided, single submitter. Criteria: CeGaT Center For Human Genetics Tuebingen Variant Classification Criteria Version 2. Collection method: clinical testing. Allele origin: germline. Affected: yes. Observed: 1 variant allele.
Comment: TNRC6A: BP4